The following is an entry in ClinVar:

NM_000065.5(C6):c.927+1G>T

Gene: C6 (complement C6; minus strand). Cytogenetic location: 5p13.1.
Variant type: single nucleotide variant.
Coding change: c.927+1G>T on transcript NM_000065.5 (MANE Select); the canonical splice donor site of the intron after coding-DNA position 927, G replaced by T.
Molecular consequence: splice donor variant.
Genome position (GRCh38, 1-based): chr5:41,181,358, C>A on the plus strand (G>T on the coding strand, the complement: C6 is on the minus strand). VCF-style: chr5-41181358-C-A. GRCh37 (hg19) VCF-style: chr5-41181460-C-A.
Other names: c.927+1G>T (NM_001115131.4).
Identifiers: ClinVar variation 1470037 (VCV001470037.8), dbSNP rs546788276, ClinGen allele CA359601494.

ClinVar aggregate classification (germline): Likely pathogenic (1 of 4 stars; one submission).

Allele frequency attached by ClinVar (database versions not stated): TOPMed below 0.00001.

Submission:

Labcorp Genetics (formerly Invitae), Labcorp
Classification: Likely pathogenic. Last evaluated: 2020-10-19. Review status: criteria provided, single submitter. Criteria: Invitae Variant Classification Sherloc (09022015). Collection method: clinical testing. Allele origin: germline.
Comment: In summary, the currently available evidence indicates that the variant is pathogenic, but additional data are needed to prove that conclusively. Therefore, this variant has been classified as Likely Pathogenic. Algorithms developed to predict the effect of sequence changes on RNA splicing suggest that this variant may disrupt the consensus splice site, but this prediction has not been confirmed by published transcriptional studies. This variant has not been reported in the literature in individuals with C6-related conditions. This variant is not present in population databases (ExAC no frequency). This sequence change affects a donor splice site in intron 7 of the C6 gene. It is expected to disrupt RNA splicing. Variants that disrupt the donor or acceptor splice site typically lead to a loss of protein function (PMID: 16199547), and loss-of-function variants in C6 are known to be pathogenic (PMID: 17257682).

Literature cited by the submitters: PubMed 16199547; PubMed 17257682.